The following is an entry in ClinVar:

ClinVar aggregate classification (germline): Uncertain significance (1 of 4 stars; one submission).

Allele frequency attached by ClinVar (database versions not stated): gnomAD exomes below 0.00001.
gnomAD v4.1: 4 of 1,613,680 alleles (0.00025%); highest among the groups gnomAD compares: Non-Finnish European, 0.00034%; no homozygotes.

Submission:

Labcorp Genetics (formerly Invitae), Labcorp
Classification: Uncertain significance. Last evaluated: 2023-01-12. Review status: criteria provided, single submitter. Criteria: Invitae Variant Classification Sherloc (09022015). Collection method: clinical testing. Allele origin: germline.
Comment: In summary, the available evidence is currently insufficient to determine the role of this variant in disease. Therefore, it has been classified as a Variant of Uncertain Significance. Algorithms developed to predict the effect of missense changes on protein structure and function are either unavailable or do not agree on the potential impact of this missense change (SIFT: "Tolerated"; PolyPhen-2: "Probably Damaging"; Align-GVGD: "Class C0"). This variant has not been reported in the literature in individuals affected with HMCN1-related conditions. This variant is not present in population databases (gnomAD no frequency). This sequence change replaces isoleucine, which is neutral and non-polar, with valine, which is neutral and non-polar, at codon 1561 of the HMCN1 protein (p.Ile1561Val).

NM_031935.3(HMCN1):c.4681A>G (p.Ile1561Val)

Gene: HMCN1 (hemicentin 1; plus strand). Cytogenetic location: 1q31.1.
Variant type: single nucleotide variant.
Coding change: c.4681A>G on transcript NM_031935.3 (MANE Select); coding-DNA position 4681, A replaced by G.
Protein change: p.Ile1561Val; replaces isoleucine 1561 with valine.
Molecular consequence: missense variant.
Genome position (GRCh38, 1-based): chr1:186,015,209, A>G. VCF-style: chr1-186015209-A-G. GRCh37 (hg19) VCF-style: chr1-185984341-A-G.
Other names: short protein forms I1561V.
Identifiers: ClinVar variation 2827899 (VCV002827899.3), dbSNP rs2527521679, ClinGen allele CA343884751.